The following is an entry in ClinVar:

ClinVar aggregate classification (germline): Uncertain significance (1 of 4 stars; one submission).

Conditions:
Ataxia-telangiectasia syndrome (AT). Also called: Ataxia telangiectasia (A-T); LOUIS-BAR SYNDROME; Cerebello-oculocutaneous telangiectasia; Immunodeficiency with ataxia telangiectasia; Ataxia-telangiectasia, complementation group D; AT, COMPLEMENTATION GROUP C. Identifiers: Orphanet 100, MedGen C0004135, MONDO:0008840, OMIM 208900.

Submission:

Labcorp Genetics (formerly Invitae), Labcorp
Classification: Uncertain significance for Ataxia-telangiectasia syndrome. Last evaluated: 2022-08-05. Review status: criteria provided, single submitter. Criteria: Invitae Variant Classification Sherloc (09022015). Collection method: clinical testing. Allele origin: germline.
Comment: This sequence change replaces serine, which is neutral and polar, with phenylalanine, which is neutral and non-polar, at codon 2592 of the ATM protein (p.Ser2592Phe). This variant is not present in population databases (gnomAD no frequency). This variant has not been reported in the literature in individuals affected with ATM-related conditions. Advanced modeling of protein sequence and biophysical properties (such as structural, functional, and spatial information, amino acid conservation, physicochemical variation, residue mobility, and thermodynamic stability) performed at Invitae indicates that this missense variant is expected to disrupt ATM protein function. In summary, the available evidence is currently insufficient to determine the role of this variant in disease. Therefore, it has been classified as a Variant of Uncertain Significance.

NM_000051.4(ATM):c.7775C>T (p.Ser2592Phe)

Genes: ATM (ATM serine/threonine kinase; plus strand), C11orf65 (chromosome 11 open reading frame 65; minus strand). Cytogenetic location: 11q22.3.
Variant type: single nucleotide variant.
Coding change: c.7775C>T on transcript NM_000051.4 (MANE Select); coding-DNA position 7775, C replaced by T.
Protein change: p.Ser2592Phe; replaces serine 2592 with phenylalanine.
Molecular consequence: missense variant. On other transcripts: intron variant (2).
Genome position (GRCh38, 1-based): chr11:108,332,024, C>T. VCF-style: chr11-108332024-C-T. GRCh37 (hg19) VCF-style: chr11-108202751-C-T.
Other names: c.7775C>T, p.Ser2592Phe (NM_001351834.2); c.641-22953G>A (NM_001330368.2); c.*38+3196G>A (NM_001351110.2); short protein forms S2592F.
Identifiers: ClinVar variation 1715211 (VCV001715211.6), dbSNP rs755009196, ClinGen allele CA382561197.
Genomic context (GRCh38, chr11:108,332,024, plus strand): 5'-TGACTAAACCAGAGGTAGCCAGAAGAAGCAGAATAACTAAAAATGTGCCTAAACAAAGCT[C>T]TCAGCTTGATGAGGTATTTGGATTAAACATACGTACCTTTTAGAAGTGTGATATTCAGTC-3'
Protein context (NP_000042.3, residues 2582-2602): RITKNVPKQS[Ser2592Phe]QLDEDRTEAA